The following is an entry in ClinVar:

ClinVar aggregate classification (germline): Uncertain significance (1 of 4 stars; one submission).

Allele frequency attached by ClinVar (database versions not stated): gnomAD exomes below 0.00001.
gnomAD v4.1: 1 of 1,614,110 alleles (0.000062%); highest among the groups gnomAD compares: Non-Finnish European, 0.000085%; no homozygotes.

Submission:

Labcorp Genetics (formerly Invitae), Labcorp
Classification: Uncertain significance. Last evaluated: 2022-11-08. Review status: criteria provided, single submitter. Criteria: Invitae Variant Classification Sherloc (09022015). Collection method: clinical testing. Allele origin: germline.
Comment: Advanced modeling of protein sequence and biophysical properties (such as structural, functional, and spatial information, amino acid conservation, physicochemical variation, residue mobility, and thermodynamic stability) performed at Invitae indicates that this missense variant is expected to disrupt CTSK protein function. In summary, the available evidence is currently insufficient to determine the role of this variant in disease. Therefore, it has been classified as a Variant of Uncertain Significance. ClinVar contains an entry for this variant (Variation ID: 1515620). This variant has not been reported in the literature in individuals affected with CTSK-related conditions. This variant is not present in population databases (gnomAD no frequency). This sequence change replaces threonine, which is neutral and polar, with isoleucine, which is neutral and non-polar, at codon 128 of the CTSK protein (p.Thr128Ile).

NM_000396.4(CTSK):c.383C>T (p.Thr128Ile)

Gene: CTSK (cathepsin K; minus strand). Cytogenetic location: 1q21.3.
Variant type: single nucleotide variant.
Coding change: c.383C>T on transcript NM_000396.4 (MANE Select); coding-DNA position 383, C replaced by T.
Protein change: p.Thr128Ile; replaces threonine 128 with isoleucine.
Molecular consequence: missense variant.
Genome position (GRCh38, 1-based): chr1:150,805,877, G>A on the plus strand (C>T on the coding strand, the complement: CTSK is on the minus strand). VCF-style: chr1-150805877-G-A. GRCh37 (hg19) VCF-style: chr1-150778353-G-A.
Other names: short protein forms T128I.
Identifiers: ClinVar variation 1515620 (VCV001515620.8), dbSNP rs2101953152, ClinGen allele CA342336856.